The following is an entry in ClinVar:

ClinVar aggregate classification (germline): Uncertain significance (1 of 4 stars; one submission).

Conditions:
Marfan syndrome (MFS). Also called: MARFAN SYNDROME, TYPE I; Marfan syndrome type 1; Marfan's syndrome; Marfan syndrome, classic; FBN1-Related Marfan Syndrome. Identifiers: Orphanet 284963, Orphanet 558, MedGen C0024796, MONDO:0007947, OMIM 154700.

Allele frequency attached by ClinVar (database versions not stated): gnomAD exomes below 0.00001.
gnomAD v4.1: 1 of 1,611,778 alleles (0.000062%); highest among the groups gnomAD compares: Non-Finnish European, 0.000085%; no homozygotes.

Submission:

All of Us Research Program, National Institutes of Health
Classification: Uncertain significance for Marfan syndrome. Last evaluated: 2023-11-30. Review status: criteria provided, single submitter. Criteria: ACMG Guidelines, 2015. Collection method: clinical testing. Allele origin: germline. Inheritance: Autosomal dominant inheritance. Observed: 1 variant allele, 1 heterozygote.
Comment: This study involves interpretation of variants in research participants for the purpose of population health screening. Participant phenotype was not available at the time of variant classification. Additional details can be found in publication PMID: 35346344, PMCID: PMC8962531

NM_000138.5(FBN1):c.7255G>A (p.Val2419Ile)

Gene: FBN1 (fibrillin 1; minus strand). Cytogenetic location: 15q21.1.
Variant type: single nucleotide variant.
Coding change: c.7255G>A on transcript NM_000138.5 (MANE Select); coding-DNA position 7255, G replaced by A.
Protein change: p.Val2419Ile; replaces valine 2419 with isoleucine.
Molecular consequence: missense variant.
Genome position (GRCh38, 1-based): chr15:48,425,814, C>T on the plus strand (G>A on the coding strand, the complement: FBN1 is on the minus strand). VCF-style: chr15-48425814-C-T. GRCh37 (hg19) VCF-style: chr15-48718011-C-T.
Other names: c.7255G>A, p.Val2419Ile (NM_001406716.1); short protein forms V2419I.
Identifiers: ClinVar variation 3073867 (VCV003073867.1), dbSNP rs2505408167, ClinGen allele CA392328744.
Genomic context (GRCh38, chr15:48,425,814, plus strand): 5'-CAGTTATATCTGGAGTGTACCCAGTTTTACAAATGCAATGATATGATCCTCTGTCATTGA[C>T]ACATTCCCCATTTCGGCAAACATCGTGAATAACCTTGCATTCATCGATATCTGTAATTTA-3'
Protein context (NP_000129.3, residues 2409-2429): IHDVCRNGEC[Val2419Ile]NDRGSYHCIC